The following is an entry in ClinVar:

NM_000379.4(XDH):c.339C>T (p.Cys113=)

Gene: XDH (xanthine dehydrogenase; minus strand). Cytogenetic location: 2p23.1.
Variant type: single nucleotide variant.
Coding change: c.339C>T on transcript NM_000379.4 (MANE Select); coding-DNA position 339, C replaced by T.
Protein change: p.Cys113=; no amino-acid change (cysteine 113 retained).
Molecular consequence: synonymous variant.
Genome position (GRCh38, 1-based): chr2:31,398,667, G>A on the plus strand (C>T on the coding strand, the complement: XDH is on the minus strand). VCF-style: chr2-31398667-G-A. GRCh37 (hg19) VCF-style: chr2-31621533-G-A.
Other names: NC_000002.11:g.31621533G>A.
Identifiers: ClinVar variation 3048445 (VCV003048445.4), dbSNP rs118042822, ClinGen allele CA1599674.

ClinVar aggregate classification (germline): Likely benign. Review status: criteria provided, single submitter (1 of 4 stars). 2 submissions from 2 submitters: Likely benign (1). 1 of the submissions does not count toward it. Last evaluated 2025-06-12.

Conditions:
XDH-related disorder. Also called: XDH-related condition.
Xanthinuria type II. Also called: Xanthine dehydrogenase and aldehyde oxidase combined deficiency of; XDH and AOX dual deficiency. Identifiers: Orphanet 3467, Orphanet 93602, MedGen C1863688, MONDO:0011346, OMIM 603592.

Allele frequency attached by ClinVar (database versions not stated): ExAC 0.00011; 1000 Genomes Project 0.00020; TOPMed 0.00009; 1000 Genomes Project 30x 0.00016; gnomAD 0.00005.
gnomAD v4.1: 100 of 1,614,102 alleles (0.0062%); highest among the groups gnomAD compares: East Asian, 0.078%; no homozygotes.

Submissions (3):

Labcorp Genetics (formerly Invitae), Labcorp
Classification: Likely benign for Xanthinuria type II. Last evaluated: 2025-06-12. Review status: criteria provided, single submitter. Criteria: Invitae Variant Classification Sherloc (09022015). Collection method: clinical testing. Allele origin: germline.

PreventionGenetics, part of Exact Sciences
Classification: Likely benign for XDH-related condition. Last evaluated: 2019-12-16. Review status: no assertion criteria provided. Collection method: clinical testing. Allele origin: germline. Not counted in ClinVar's aggregate classification.
Comment: This variant is classified as likely benign based on ACMG/AMP sequence variant interpretation guidelines (Richards et al. 2015 PMID: 25741868, with internal and published modifications).

Dr. Peter K. Rogan Lab, Western University
No classification provided (evidence only). Condition: Squamous cell carcinoma of the head and neck. Review status: no classification provided. Collection method: in vitro. Allele origin: not applicable. Functional consequence: retained intron. Not counted in ClinVar's aggregate classification.